The following is an entry in ClinVar:

ClinVar aggregate classification (germline): Pathogenic (1 of 4 stars; one submission).

Conditions:
Hereditary cancer-predisposing syndrome. Also called: Neoplastic Syndromes, Hereditary; Tumor predisposition; Hereditary Cancer Syndrome; Hereditary neoplastic syndrome. Identifiers: Orphanet 140162, MedGen C0027672, MeSH D009386, MONDO:0015356.

Submission:

Ambry Genetics
Classification: Pathogenic for Hereditary cancer-predisposing syndrome. Last evaluated: 2025-07-18. Review status: criteria provided, single submitter. Criteria: Ambry Variant Classification Scheme 2023. Collection method: clinical testing. Allele origin: germline.
Comment: The c.1270_1283del14 pathogenic mutation, located in coding exon 5 of the AXIN2 gene, results from a deletion of 14 nucleotides at nucleotide positions 1270 to 1283, causing a translational frameshift with a predicted alternate stop codon (p.S424Rfs*33). This variant is considered to be rare based on population cohorts in the Genome Aggregation Database (gnomAD). This alteration is expected to result in loss of function by premature protein truncation or nonsense-mediated mRNA decay. As such, this alteration is interpreted as a disease-causing mutation.

NM_004655.4(AXIN2):c.1270_1283del (p.Ser424fs)

Gene: AXIN2 (axin 2; minus strand). Cytogenetic location: 17q24.1.
Variant type: Deletion.
Coding change: c.1270_1283del on transcript NM_004655.4 (MANE Select); coding-DNA positions 1270 to 1283, 14 bases deleted (TCCCTACTGCCCTC).
Protein change: p.Ser424fs; shifts the reading frame from serine 424.
Molecular consequence: frameshift variant.
Genome position (GRCh38, 1-based): chr17:65,537,753-65,537,766, GAGGGCAGTAGGGA deleted on the plus strand (TCCCTACTGCCCTC on the coding strand, the reverse complement: AXIN2 is on the minus strand); deleting any 14 consecutive bases within chr17:65,537,753-65,537,771 gives the same sequence; the c. name uses the placement nearest the transcript's 3' end. VCF-style (leftmost placement, unchanged base first): chr17-65537752-GGAGGGCAGTAGGGA-G. GRCh37 (hg19) VCF-style: chr17-63533870-GGAGGGCAGTAGGGA-G.
Other names: c.1270_1283del14 (NM_004655.3); c.1270_1283del, p.Ser424fs (NM_001363813.1); short protein forms S424fs.
Identifiers: ClinVar variation 4188210 (VCV004188210.1).
Genomic context (GRCh38, chr17:65,537,752, plus strand): 5'-CTTGAGGACCCTGGACAGGTGATCGTCCAGTATCGTCTGCGGGTCTTCCTCGTAGCTGCC[GGAGGGCAGTAGGGA>G]GAGGGGGTGCTGCGTGGGCGCCCCCTCCCGCGAATTGAGTGTGAGCTCGGAGCCCTCTCT-3'